The following is an entry in ClinVar:

NM_001283009.2(RTEL1):c.3874del (p.Met1292fs)

Genes: RTEL1 (regulator of telomere elongation helicase 1; plus strand), RTEL1-TNFRSF6B (RTEL1-TNFRSF6B readthrough (NMD candidate); plus strand). Cytogenetic location: 20q13.33.
Variant type: Deletion.
Coding change: c.3874del on transcript NM_001283009.2 (MANE Select); coding-DNA position 3874, one base deleted (A; older notation c.3874delA).
Protein change: p.Met1292fs; shifts the reading frame from methionine 1292.
Molecular consequence: frameshift variant. On other transcripts: non-coding transcript variant (1), 3 prime UTR variant (3).
Genome position (GRCh38, 1-based): chr20:63,695,829, A deleted. VCF-style (leftmost placement, unchanged base first): chr20-63695828-CA-C. GRCh37 (hg19) VCF-style: chr20-62327181-CA-C.
Other names: c.*44del (NM_001283010.1, NM_016434.4, NM_032957.5); short protein forms M1292fs.
Identifiers: ClinVar variation 1704383 (VCV001704383.1), dbSNP rs2517207165, ClinGen allele CA2580098464.

ClinVar aggregate classification (germline): Uncertain significance (1 of 4 stars; one submission).

Conditions:
Pulmonary fibrosis and/or bone marrow failure, Telomere-related, 3. Also called: PULMONARY FIBROSIS AND/OR BONE MARROW FAILURE SYNDROME, TELOMERE-RELATED, 3. Identifiers: Orphanet 2032, MedGen C4225346, MONDO:0014613, OMIM 616373.

Submission:

Johns Hopkins Genomics, Johns Hopkins University
Classification: Uncertain significance for Pulmonary fibrosis and/or bone marrow failure, Telomere-related, 3. Last evaluated: 2022-01-11. Review status: criteria provided, single submitter. Criteria: ACMG Guidelines, 2015. Collection method: clinical testing. Allele origin: germline.
Comment: This RTEL1 variant is absent from a large population datase and has not been reported in ClinVar nor the literature, to our knowledge. This frameshift variant is predicted to lead to a premature stop codon within the last exon of the gene, likely escaping nonsense-mediated decay. This is predicted to result in a protein that is missing the last 9 native amino acids and has an insertion of 71 novel amino acids at the C-terminus. To our knowledge, the function of this region of the protein is not known. We consider the clinical significance of RTEL1 c.3874delA to be uncertain at this time.

Literature cited by the submitters: PubMed 24130156; PubMed 26022962.